The following is an entry in ClinVar:

ClinVar aggregate classification (germline): Uncertain significance (1 of 4 stars; one submission).

Conditions:
Inclusion body myopathy with early-onset Paget disease with or without frontotemporal dementia 2 (IBMPFD2). Also called: MULTISYSTEM PROTEINOPATHY 2. Identifiers: MedGen C3809468, MONDO:0014178, OMIM 615422.

Submission:

Labcorp Genetics (formerly Invitae), Labcorp
Classification: Uncertain significance for Inclusion body myopathy with early-onset Paget disease with or without frontotemporal dementia 2. Last evaluated: 2022-06-27. Review status: criteria provided, single submitter. Criteria: Invitae Variant Classification Sherloc (09022015). Collection method: clinical testing. Allele origin: germline.
Comment: This variant is not present in population databases (gnomAD no frequency). In summary, the available evidence is currently insufficient to determine the role of this variant in disease. Therefore, it has been classified as a Variant of Uncertain Significance. This variant has not been reported in the literature in individuals affected with HNRNPA2B1-related conditions. This variant results in the deletion of exons 5-6 and part of exon 7 (c.301-75_650del) of the HNRNPA2B1 gene. It is expected to disrupt RNA splicing. Variants that disrupt the donor or acceptor splice site typically lead to a loss of protein function (PMID: 16199547), however the current clinical and genetic evidence is not sufficient to establish whether loss-of-function variants in HNRNPA2B1 cause disease.

Literature cited by the submitters: PubMed 16199547.

NM_002137.4(HNRNPA2B1):c.265-75_614del

Gene: HNRNPA2B1 (heterogeneous nuclear ribonucleoprotein A2/B1; minus strand). Cytogenetic location: 7p15.2.
Variant type: Deletion.
Coding change: c.265-75_614del on transcript NM_002137.4 (MANE Select); 75 bases into the intron before coding-DNA position 265 through coding-DNA position 614, 648 bases deleted.
Molecular consequence: splice acceptor variant, splice donor variant.
Genome position (GRCh38, 1-based): chr7:26,196,445-26,197,092, 648 bases deleted. GRCh37 (hg19): chr7:26,236,068-26,236,715.
Other names: c.265-75_614del (NM_001438578.1, NM_001438576.1, NM_001438575.1 and 4 more transcripts); c.301-75_650del (NM_001438574.1, NM_001438573.1, NM_001438568.1 and 3 more transcripts).
Identifiers: ClinVar variation 2011668 (VCV002011668.4), dbSNP rs2535785709, ClinGen allele CA2580076976.